The following is an entry in ClinVar:

NM_014760.4(TATDN2):c.387T>G (p.Ser129=)

Gene: TATDN2 (TatD DNase domain containing 2; plus strand). Cytogenetic location: 3p25.3.
Variant type: single nucleotide variant.
Coding change: c.387T>G on transcript NM_014760.4 (MANE Select); coding-DNA position 387, T replaced by G.
Protein change: p.Ser129=; no amino-acid change (serine 129 retained).
Molecular consequence: synonymous variant.
Genome position (GRCh38, 1-based): chr3:10,249,587, T>G. VCF-style: chr3-10249587-T-G. GRCh37 (hg19) VCF-style: chr3-10291271-T-G.
Identifiers: ClinVar variation 3053761 (VCV003053761.2), dbSNP rs373299416, ClinGen allele CA2251786.

ClinVar aggregate classification (germline): Likely benign (0 of 4 stars; one submission).

Conditions:
TATDN2-related disorder. Also called: TATDN2-related condition.

Allele frequency attached by ClinVar (database versions not stated): ESP Exome Variant Server 0.00008; gnomAD 0.00012; TOPMed 0.00014; 1000 Genomes Project 30x 0.00016; 1000 Genomes Project 0.00020; ExAC 0.00021; gnomAD exomes 0.00026.
gnomAD v4.1: 369 of 1,529,678 alleles (0.024%); highest among the groups gnomAD compares: Middle Eastern, 0.035%; no homozygotes.

Submission:

PreventionGenetics, part of Exact Sciences
Classification: Likely benign for TATDN2-related condition. Last evaluated: 2020-11-05. Review status: no assertion criteria provided. Collection method: clinical testing. Allele origin: germline.
Comment: This variant is classified as likely benign based on ACMG/AMP sequence variant interpretation guidelines (Richards et al. 2015 PMID: 25741868, with internal and published modifications).